The following is an entry in ClinVar:

NM_001273.5(CHD4):c.2121T>C (p.Asp707=)

Gene: CHD4 (chromodomain helicase DNA binding protein 4; minus strand). Cytogenetic location: 12p13.31.
Variant type: single nucleotide variant.
Coding change: c.2121T>C on transcript NM_001273.5 (MANE Select); coding-DNA position 2121, T replaced by C.
Protein change: p.Asp707=; no amino-acid change (aspartic acid 707 retained).
Molecular consequence: synonymous variant.
Genome position (GRCh38, 1-based): chr12:6,595,334, A>G on the plus strand (T>C on the coding strand, the complement: CHD4 is on the minus strand). VCF-style: chr12-6595334-A-G. GRCh37 (hg19) VCF-style: chr12-6704500-A-G.
Other names: c.2100T>C, p.Asp700= (NM_001297553.2); c.2082T>C, p.Asp694= (NM_001363606.2).
Identifiers: ClinVar variation 2637838 (VCV002637838.1), dbSNP rs2136217413, ClinGen allele CA478133519.

ClinVar aggregate classification (germline): Uncertain significance (1 of 4 stars; one submission).

Submission:

Women's Health and Genetics/Laboratory Corporation of America, LabCorp
Classification: Uncertain significance. Last evaluated: 2023-10-20. Review status: criteria provided, single submitter. Criteria: LabCorp Variant Classification Summary - May 2015. Collection method: clinical testing. Allele origin: germline.
Comment: Variant summary: CHD4 c.2121T>C (p.Asp707Asp) alters a conserved nucleotide located close to a canonical splice site and therefore could affect mRNA splicing, leading to a significantly altered protein sequence. Consensus agreement among computation tools predict no significant impact on normal splicing. However, these predictions have yet to be confirmed by functional studies. The variant was absent in 251428 control chromosomes. The available data on variant occurrences in the general population are insufficient to allow any conclusion about variant significance. To our knowledge, no occurrence of c.2121T>C in individuals affected with Sifrim-Hitz Syndrome and no experimental evidence demonstrating its impact on protein function have been reported. No submitters have cited clinical-significance assessments for this variant to ClinVar after 2014. Based on the evidence outlined above, the variant was classified as uncertain significance.